The following is an entry in ClinVar:

ClinVar aggregate classification (germline): Likely pathogenic (3 of 4 stars; one submission).

Conditions:
AIPL1-related retinopathy. Also called: AIPL1 retinopathy. Identifiers: MedGen CN305590, MONDO:0100438.

Submission:

ClinGen Leber Congenital Amaurosis/early Onset Retinal Dystrophy Variant Curation Expert Panel, ClinGen
Classification: Likely pathogenic for AIPL1-related retinopathy. Last evaluated: 2025-09-29. Review status: reviewed by expert panel. Criteria: ClinGen LCAeoRD ACMG Specifications AIPL1 V1.0.0. Collection method: curation. Allele origin: germline. Inheritance: Autosomal recessive inheritance.
Comment: NM_014336.5(AIPL1):c.214T>C (p.Trp72Arg) is a missense variant predicted to replace tryptophan with arginine at amino acid p.72. This variant is absent from gnomAD v4.1.0 (PM2_Supporting). This variant has been reported in at least 1 proband with early-onset severe retinal dystrophy who was compound heterozygous with the M_014336.5(AIPL1):c.265T>C (p.Cys89Arg) variant suspected in trans (PMID: 20702822, PMID: 23847139, PMID: 33067476), which was previously classified likely pathogenic by the ClinGen LCA/eoRD VCEP (0.25 points), so the PM3_Supporting code was not met. At least one proband harboring this variant exhibits a phenotype including diagnosis of Leber congenital amaurosis (0.5 pts) with genotyping by a next-generation sequencing panel of 163 known inherited retinal disease-associated genes (2 pts), severe visual disturbances in infancy or early childhood (1 pt), visual acuity limited to light perception (1 pt), moderate hypermetropia, kinetic visual field extent not detectable (1 pt), keratoconus (0.5 pts), nystagmus (1 pt), posterior subcapsular cataract (0.5 pts), and nondetectable electroretinogram responses from both rods (0.5 pts) and cones (1 pt), which together are highly specific for AIPL1-related retinopathy (total 9 points, PMID: 20702822, PMID: 23847139, PP4_Moderate). The variant was associated with ~40% PDE6 enzymatic activity in a cGMP hydrolysis assay relative to the wild-type control, which was comparable to the negative control lacking AIPL1, indicating that it triggers a severe defect in protein function (PMID: 33067476, PS3_Supporting). The computational predictor REVEL gives a score of 0.836, which is above the ClinGen LCA/eoRD VCEP threshold of ≥0.774 and predicts a damaging effect on AIPL1 protein function (PP3_Moderate). The splicing impact predictor SpliceAI gives a score of 0.01 for acceptor gain, which is below the ClinGen LCA/eoRD VCEP recommended threshold of ≥0.2 and does not strongly predict an impact on splicing. In summary, this variant meets the criteria to be classified as Likely Pathogenic for AIPL1-related retinopathy based on the ACMG/AMP criteria applied, as specified by the ClinGen LCA/eoRD VCEP: PM2_Supporting, PP4_Moderate, PS3_Supporting, and PP3_Moderate. (VCEP specifications version 1.0.0; date of approval 09/24/2025).

NM_014336.5(AIPL1):c.214T>C (p.Trp72Arg)

Gene: AIPL1 (AIP like 1 HSP90 co-chaperone; minus strand). Cytogenetic location: 17p13.2.
Variant type: single nucleotide variant.
Coding change: c.214T>C on transcript NM_014336.5 (MANE Select); coding-DNA position 214, T replaced by C.
Protein change: p.Trp72Arg; replaces tryptophan 72 with arginine.
Molecular consequence: missense variant. On other transcripts: intron variant (1).
Genome position (GRCh38, 1-based): chr17:6,433,981, A>G on the plus strand (T>C on the coding strand, the complement: AIPL1 is on the minus strand). VCF-style: chr17-6433981-A-G. GRCh37 (hg19) VCF-style: chr17-6337301-A-G.
Other names: NM_001285403.4:c.214T>C; c.214T>C, p.Trp72Arg (NM_001033054.3, NM_001285401.3, NM_001285403.4); c.178T>C, p.Trp60Arg (NM_001285399.3); c.148T>C, p.Trp50Arg (NM_001285400.3); c.97T>C, p.Trp33Arg (NM_001285402.2); c.96+1028T>C (NM_001033055.3); short protein forms W33R, W50R, W60R, W72R.
Identifiers: ClinVar variation 4087766 (VCV004087766.1).
Genomic context (GRCh38, chr17:6,433,981, plus strand): 5'-TGGTGTCGCACCAGAACTCGGCCACCTCGTGCACCCGCATGGAGGTAAGCAGGATCTCCC[A>G]GACCTCGAGCTTGAACATGTTTCCGATGATGATGTGCATGGGCTGGCCCACCTGCCGACT-3'
Protein context (NP_055151.3, residues 62-82): IIGNMFKLEV[Trp72Arg]EILLTSMRVH